The following is an entry in ClinVar:

ClinVar aggregate classification (germline): Uncertain significance. Review status: criteria provided, multiple submitters, no conflicts (2 of 4 stars). 2 submissions from 2 submitters: Uncertain significance (2). Last evaluated 2024-10-26.

Conditions:
Inborn genetic diseases. Identifiers: MedGen C0950123, MeSH D030342.

Submissions (2):

Labcorp Genetics (formerly Invitae), Labcorp
Classification: Uncertain significance. Last evaluated: 2024-10-26. Review status: criteria provided, single submitter. Criteria: Invitae Variant Classification Sherloc (09022015). Collection method: clinical testing. Allele origin: germline.
Comment: This sequence change replaces leucine, which is neutral and non-polar, with histidine, which is basic and polar, at codon 159 of the CNGB1 protein (p.Leu159His). This variant is not present in population databases (gnomAD no frequency). This variant has not been reported in the literature in individuals affected with CNGB1-related conditions. ClinVar contains an entry for this variant (Variation ID: 1442466). Invitae Evidence Modeling of protein sequence and biophysical properties (such as structural, functional, and spatial information, amino acid conservation, physicochemical variation, residue mobility, and thermodynamic stability) indicates that this missense variant is not expected to disrupt CNGB1 protein function with a negative predictive value of 95%. In summary, the available evidence is currently insufficient to determine the role of this variant in disease. Therefore, it has been classified as a Variant of Uncertain Significance.

Ambry Genetics
Classification: Uncertain significance for Inborn genetic diseases. Last evaluated: 2023-11-18. Review status: criteria provided, single submitter. Criteria: Ambry Variant Classification Scheme 2023. Collection method: clinical testing. Allele origin: germline.

NM_001297.5(CNGB1):c.476T>A (p.Leu159His)

Gene: CNGB1 (cyclic nucleotide gated channel subunit beta 1; minus strand). Cytogenetic location: 16q21.
Variant type: single nucleotide variant.
Coding change: c.476T>A on transcript NM_001297.5 (MANE Select); coding-DNA position 476, T replaced by A.
Protein change: p.Leu159His; replaces leucine 159 with histidine.
Molecular consequence: missense variant.
Genome position (GRCh38, 1-based): chr16:57,960,898, A>T on the plus strand (T>A on the coding strand, the complement: CNGB1 is on the minus strand). VCF-style: chr16-57960898-A-T. GRCh37 (hg19) VCF-style: chr16-57994802-A-T.
Other names: c.476T>A, p.Leu159His (NM_001135639.2, NM_001286130.2); c.476T>A (NM_001297.4); short protein forms L159H.
Identifiers: ClinVar variation 1442466 (VCV001442466.7), dbSNP rs2149387027, ClinGen allele CA396078381.
Genomic context (GRCh38, chr16:57,960,898, plus strand): 5'-ACCTCAGAGGATTTGGGGGGCTGAGGAAGCACTCTTTCCAGATTCTGCTCCAGCCACAGA[A>T]GCAGCCGCAGCCCAGGCCTGCAGAGGGGCCAGTGATCAGCAGAGTGCCCTGAGGGAACCG-3'
Protein context (NP_001288.3, residues 149-169): AQDTRPGLRL[Leu159His]LWLEQNLERV